The following is an entry in ClinVar:

ClinVar aggregate classification (germline): Pathogenic (1 of 4 stars; one submission).

Conditions:
Cerebral cavernous malformation (CCM). Also called: Cavernous Hemangioma of Brain; Cerebral cavernous malformations; CAVERNOUS ANGIOMA, FAMILIAL; CAVERNOUS ANGIOMATOUS MALFORMATIONS; CEREBRAL CAPILLARY MALFORMATIONS; Cerebral cavernous hemangioma (type). Identifiers: Orphanet 221061, MedGen C2919945, MONDO:0000820, OMIM 116860, HP:0033522.

Submission:

Labcorp Genetics (formerly Invitae), Labcorp
Classification: Pathogenic for Cerebral cavernous malformation. Last evaluated: 2018-10-18. Review status: criteria provided, single submitter. Criteria: Invitae Variant Classification Sherloc (09022015). Collection method: clinical testing. Allele origin: germline.
Comment: For these reasons, this variant has been classified as Pathogenic. Loss-of-function variants in KRIT1 are known to be pathogenic (PMID: 10508515, 11222804, 12404106, 24689081). This variant has not been reported in the literature in individuals with KRIT1-related disease. This variant is not present in population databases (ExAC no frequency). This sequence change creates a premature translational stop signal (p.Met448Trpfs*47) in the KRIT1 gene. It is expected to result in an absent or disrupted protein product.

Literature cited by the submitters: PubMed 10508515; PubMed 11222804; PubMed 12404106; PubMed 24689081.

NM_194454.3(KRIT1):c.1342del (p.Met448fs)

Gene: KRIT1 (KRIT1 ankyrin repeat containing; minus strand). Cytogenetic location: 7q21.2.
Variant type: Deletion.
Coding change: c.1342del on transcript NM_194454.3 (MANE Select); coding-DNA position 1342, one base deleted (A; older notation c.1342delA).
Protein change: p.Met448fs; shifts the reading frame from methionine 448.
Molecular consequence: frameshift variant.
Genome position (GRCh38, 1-based): chr7:92,222,891, T deleted on the plus strand (A on the coding strand, the reverse complement: KRIT1 is on the minus strand); the first of 2 consecutive T bases (chr7:92,222,891-92,222,892); deleting either gives the same sequence. VCF-style (leftmost placement, unchanged base first): chr7-92222890-AT-A. GRCh37 (hg19) VCF-style: chr7-91852204-AT-A.
Other names: c.1198del, p.Met400fs (NM_001013406.2, NM_001350669.1, NM_001350670.1); c.628del, p.Met210fs (NM_001350671.1); c.1342del, p.Met448fs (NM_001350672.1, NM_001350673.1, NM_001350674.1 and 26 more transcripts); c.1342delA (NM_194456.1); short protein forms M400fs, M448fs, M210fs.
Identifiers: ClinVar variation 649953 (VCV000649953.7), dbSNP rs1584881309, ClinGen allele CA915945340.